The following is an entry in ClinVar:

NM_002547.3(OPHN1):c.1717G>A (p.Ala573Thr)

Gene: OPHN1 (oligophrenin 1; minus strand). Cytogenetic location: Xq12.
Variant type: single nucleotide variant.
Coding change: c.1717G>A on transcript NM_002547.3 (MANE Select); coding-DNA position 1717, G replaced by A.
Protein change: p.Ala573Thr; replaces alanine 573 with threonine.
Molecular consequence: missense variant.
Genome position (GRCh38, 1-based): chrX:68,073,269, C>T on the plus strand (G>A on the coding strand, the complement: OPHN1 is on the minus strand). VCF-style: chrX-68073269-C-T. GRCh37 (hg19) VCF-style: chrX-67293111-C-T.
Other names: short protein forms A573T.
Identifiers: ClinVar variation 2573956 (VCV002573956.1), dbSNP rs984868981, ClinGen allele CA330808637.

ClinVar aggregate classification (germline): Uncertain significance (1 of 4 stars; one submission).

Allele frequency attached by ClinVar (database versions not stated): TOPMed below 0.00001.

Submission:

GeneDx
Classification: Uncertain significance. Last evaluated: 2023-01-18. Review status: criteria provided, single submitter. Criteria: GeneDx Variant Classification Process June 2021. Collection method: clinical testing. Allele origin: germline. Affected: yes.
Comment: Not observed at significant frequency in large population cohorts (gnomAD); In silico analysis supports that this missense variant does not alter protein structure/function; Has not been previously published as pathogenic or benign to our knowledge